The following is an entry in ClinVar:

ClinVar aggregate classification (germline): Uncertain significance. Review status: criteria provided, multiple submitters, no conflicts (2 of 4 stars). 2 submissions from 2 submitters: Uncertain significance (2). Last evaluated 2024-04-27.

Conditions:
BNAR syndrome. Also called: Bifid Nose With or Without Anorectal and Renal Anomalies (BNAR) Syndrome. Identifiers: Orphanet 217266, MedGen C2750433, MONDO:0012165, OMIM 608980.
Oculotrichoanal syndrome (MOTA). Also called: MARLES SYNDROME; Manitoba Oculotrichoanal (MOTA) Syndrome. Identifiers: Orphanet 2717, MedGen C1855425, MONDO:0009560, OMIM 248450.
Trigonocephaly 2 (TRIGNO2). Identifiers: Orphanet 3366, MedGen C3280974, MONDO:0013774, OMIM 614485.

Allele frequency attached by ClinVar (database versions not stated): gnomAD exomes below 0.00001; gnomAD 0.00001.
gnomAD v4.1: 2 of 1,613,410 alleles (0.00012%); highest among the groups gnomAD compares: Admixed American, 0.0033%; no homozygotes.

Submissions (2):

Fulgent Genetics
Classification: Uncertain significance for Oculotrichoanal syndrome; BNAR syndrome; Trigonocephaly 2. Last evaluated: 2024-04-27. Review status: criteria provided, single submitter. Criteria: ACMG Guidelines, 2015. Collection method: clinical testing. Allele origin: germline.

Labcorp Genetics (formerly Invitae), Labcorp
Classification: Uncertain significance. Last evaluated: 2022-08-22. Review status: criteria provided, single submitter. Criteria: Invitae Variant Classification Sherloc (09022015). Collection method: clinical testing. Allele origin: germline.
Comment: This sequence change replaces aspartic acid, which is acidic and polar, with asparagine, which is neutral and polar, at codon 670 of the FREM1 protein (p.Asp670Asn). This variant is not present in population databases (gnomAD no frequency). This variant has not been reported in the literature in individuals affected with FREM1-related conditions. Algorithms developed to predict the effect of missense changes on protein structure and function are either unavailable or do not agree on the potential impact of this missense change (SIFT: "Deleterious"; PolyPhen-2: "Probably Damaging"; Align-GVGD: "Class C0"). In summary, the available evidence is currently insufficient to determine the role of this variant in disease. Therefore, it has been classified as a Variant of Uncertain Significance.

NM_001379081.2(FREM1):c.2008G>A (p.Asp670Asn)

Gene: FREM1 (FRAS1 related extracellular matrix 1; minus strand). Cytogenetic location: 9p22.3.
Variant type: single nucleotide variant.
Coding change: c.2008G>A on transcript NM_001379081.2 (MANE Select); coding-DNA position 2008, G replaced by A.
Protein change: p.Asp670Asn; replaces aspartic acid 670 with asparagine.
Molecular consequence: missense variant. On other transcripts: non-coding transcript variant (2).
Genome position (GRCh38, 1-based): chr9:14,824,866, C>T on the plus strand (G>A on the coding strand, the complement: FREM1 is on the minus strand). VCF-style: chr9-14824866-C-T. GRCh37 (hg19) VCF-style: chr9-14824864-C-T.
Other names: c.2008G>A, p.Asp670Asn (NM_144966.7); c.2008G>A (NM_144966.5); short protein forms D670N.
Identifiers: ClinVar variation 1913912 (VCV001913912.3), dbSNP rs1822045694, ClinGen allele CA372957003.